The following is an entry in ClinVar:

ClinVar aggregate classification (germline): Uncertain significance (1 of 4 stars; one submission).

Conditions:
ALG1-congenital disorder of glycosylation. Also called: ALG1-CDG; CONGENITAL DISORDER OF GLYCOSYLATION, TYPE Ik; CDG Ik. Identifiers: Orphanet 79327, MedGen C2931005, MONDO:0012052, OMIM 608540.

Submission:

Labcorp Genetics (formerly Invitae), Labcorp
Classification: Uncertain significance for ALG1-congenital disorder of glycosylation. Last evaluated: 2022-12-22. Review status: criteria provided, single submitter. Criteria: Invitae Variant Classification Sherloc (09022015). Collection method: clinical testing. Allele origin: germline.
Comment: This variant has not been reported in the literature in individuals affected with ALG1-related conditions. ClinVar contains an entry for this variant (Variation ID: 1715457). Algorithms developed to predict the effect of missense changes on protein structure and function output the following: SIFT: "Tolerated"; PolyPhen-2: "Benign"; Align-GVGD: "Class C0". The threonine amino acid residue is found in multiple mammalian species, which suggests that this missense change does not adversely affect protein function. In summary, the available evidence is currently insufficient to determine the role of this variant in disease. Therefore, it has been classified as a Variant of Uncertain Significance. This variant is not present in population databases (gnomAD no frequency). This sequence change replaces alanine, which is neutral and non-polar, with threonine, which is neutral and polar, at codon 95 of the ALG1 protein (p.Ala95Thr).

NM_019109.5(ALG1):c.283G>A (p.Ala95Thr)

Gene: ALG1 (ALG1 chitobiosyldiphosphodolichol beta-mannosyltransferase; plus strand). Cytogenetic location: 16p13.3.
Variant type: single nucleotide variant.
Coding change: c.283G>A on transcript NM_019109.5 (MANE Select); coding-DNA position 283, G replaced by A.
Protein change: p.Ala95Thr; replaces alanine 95 with threonine.
Molecular consequence: missense variant. On other transcripts: 5 prime UTR variant (1).
Genome position (GRCh38, 1-based): chr16:5,073,025, G>A. VCF-style: chr16-5073025-G-A. GRCh37 (hg19) VCF-style: chr16-5123026-G-A.
Other names: c.-51G>A (NM_001330504.2); short protein forms A95T.
Identifiers: ClinVar variation 1715457 (VCV001715457.5), dbSNP rs773349048, ClinGen allele CA394679221.